The following is an entry in ClinVar:

NM_170784.3(MKKS):c.*38A>G

Gene: MKKS (MKKS centrosomal shuttling protein; minus strand). Cytogenetic location: 20p12.2.
Variant type: single nucleotide variant.
Coding change: c.*38A>G on transcript NM_170784.3 (MANE Select); 38 bases downstream of the stop codon, A replaced by G.
Molecular consequence: 3 prime UTR variant. On other transcripts: non-coding transcript variant (1).
Genome position (GRCh38, 1-based): chr20:10,405,209, T>C on the plus strand (A>G on the coding strand, the complement: MKKS is on the minus strand). VCF-style: chr20-10405209-T-C. GRCh37 (hg19) VCF-style: chr20-10385857-T-C.
Other names: c.*38A>G (NM_018848.3).
Identifiers: ClinVar variation 261057 (VCV000261057.8), dbSNP rs79940214, ClinGen allele CA9763430.

ClinVar aggregate classification (germline): Benign/Likely benign. Review status: criteria provided, multiple submitters, no conflicts (2 of 4 stars). 4 submissions from 3 submitters: Benign (3); Likely benign (1). Last evaluated 2021-01-20.

Conditions:
Bardet-Biedl syndrome 6 (BBS6). Identifiers: Orphanet 110, MedGen C1858054, MONDO:0011523, OMIM 605231.
McKusick-Kaufman syndrome (MKKS). Also called: HYDROMETROCOLPOS SYNDROME; HYDROMETROCOLPOS, POSTAXIAL POLYDACTYLY, AND CONGENITAL HEART MALFORMATION. Identifiers: Orphanet 2473, MedGen C0948368, MONDO:0009367, OMIM 236700.

Allele frequency attached by ClinVar (database versions not stated): gnomAD exomes 0.00205 and 0.00568; ExAC 0.01207; gnomAD 0.02280 and 0.02456; 1000 Genomes Project 0.02376; ESP Exome Variant Server 0.02595; TOPMed 0.02624; 1000 Genomes Project 30x 0.02639.
gnomAD v4.1: 6,366 of 1,526,246 alleles (0.42%); highest among the groups gnomAD compares: African/African-American, 7.9%; 224 homozygotes.

Submissions (4):

GeneDx
Classification: Benign. Last evaluated: 2021-01-20. Review status: criteria provided, single submitter. Criteria: GeneDx Variant Classification Process June 2021. Collection method: clinical testing. Allele origin: germline. Affected: yes.

Illumina Laboratory Services, Illumina
Classification: Benign for Bardet-Biedl syndrome 6. Last evaluated: 2018-01-13. Review status: criteria provided, single submitter. Criteria: ICSL Variant Classification Criteria 13 December 2019. Collection method: clinical testing. Allele origin: germline.
Comment: This variant was observed in the ICSL laboratory as part of a predisposition screen in an ostensibly healthy population. It had not been previously curated by ICSL or reported in the Human Gene Mutation Database (HGMD: prior to June 1st, 2018), and was therefore a candidate for classification through an automated scoring system. Utilizing variant allele frequency, disease prevalence and penetrance estimates, and inheritance mode, an automated score was calculated to assess if this variant is too frequent to cause the disease. Based on the score and internal cut-off values, a variant classified as benign is not then subjected to further curation. The score for this variant resulted in a classification of benign for this disease.

Illumina Laboratory Services, Illumina
Classification: Benign for McKusick-Kaufman syndrome. Last evaluated: 2018-01-13. Review status: criteria provided, single submitter. Criteria: ICSL Variant Classification Criteria 13 December 2019. Collection method: clinical testing. Allele origin: germline.
Comment: the same text as in the submission from Illumina Laboratory Services, Illumina above.

PreventionGenetics, part of Exact Sciences
Classification: Likely benign. Review status: criteria provided, single submitter. Criteria: ACMG Guidelines, 2015. Collection method: clinical testing. Allele origin: germline.